The following is an entry in ClinVar:

ClinVar aggregate classification (germline): Uncertain significance. Review status: criteria provided, multiple submitters, no conflicts (2 of 4 stars). 6 submissions from 6 submitters: Uncertain significance (5). 1 of the submissions does not count toward it. Last evaluated 2025-09-09.

Conditions:
Renal carnitine transport defect (CDSP). Also called: CARNITINE DEFICIENCY, SYSTEMIC, DUE TO DEFECT IN RENAL REABSORPTION OF CARNITINE; Carnitine transporter deficiency; Primary carnitine deficiency; Systemic primary carnitine deficiency; Systemic primary carnitine deficiency disease; CARNITINE TRANSPORTER, PLASMA-MEMBRANE, DEFICIENCY OF. Identifiers: Orphanet 158, MedGen C0342788, MONDO:0008919, OMIM 212140.
Decreased circulating carnitine concentration. Also called: Decreased plasma carnitine. Identifiers: MedGen C5848230, HP:0003234.

Allele frequency attached by ClinVar (database versions not stated): gnomAD exomes 0.00002 and 0.00004; ExAC 0.00004; ESP Exome Variant Server 0.00015; gnomAD 0.00021 and 0.00024; TOPMed 0.00021.

Submissions (6):

GeneDx
Classification: Uncertain significance. Last evaluated: 2025-09-09. Review status: criteria provided, single submitter. Criteria: GeneDx Variant Classification Process June 2021. Collection method: clinical testing. Allele origin: germline. Affected: yes.
Comment: In silico analysis supports that this missense variant has a deleterious effect on protein structure/function; Has not been previously published as pathogenic or benign to our knowledge

Giacomini Lab, University of California, San Francisco
Classification: Uncertain significance for Renal carnitine transport defect. Last evaluated: 2022-10-03. Review status: criteria provided, single submitter. Criteria: ACMG Guidelines, 2015. Collection method: research, in vitro. Allele origin: germline, not applicable.

Labcorp Genetics (formerly Invitae), Labcorp
Classification: Uncertain significance for Renal carnitine transport defect. Last evaluated: 2022-07-25. Review status: criteria provided, single submitter. Criteria: Invitae Variant Classification Sherloc (09022015). Collection method: clinical testing. Allele origin: germline.
Comment: This sequence change replaces threonine, which is neutral and polar, with isoleucine, which is neutral and non-polar, at codon 337 of the SLC22A5 protein (p.Thr337Ile). This variant is present in population databases (rs142479732, gnomAD 0.08%). This missense change has been observed in individual(s) with SLC22A5-related conditions (Invitae). ClinVar contains an entry for this variant (Variation ID: 529850). Algorithms developed to predict the effect of missense changes on protein structure and function are either unavailable or do not agree on the potential impact of this missense change (SIFT: "Tolerated"; PolyPhen-2: "Possibly Damaging"; Align-GVGD: "Class C0"). In summary, the available evidence is currently insufficient to determine the role of this variant in disease. Therefore, it has been classified as a Variant of Uncertain Significance.

Fulgent Genetics
Classification: Uncertain significance for Renal carnitine transport defect. Last evaluated: 2021-09-10. Review status: criteria provided, single submitter. Criteria: ACMG Guidelines, 2015. Collection method: clinical testing. Allele origin: unknown.

Genome-Nilou Lab
Classification: Uncertain significance for Renal carnitine transport defect. Last evaluated: 2021-07-15. Review status: criteria provided, single submitter. Criteria: ACMG Guidelines, 2015. Collection method: clinical testing. Allele origin: germline. Affected: no.

Natera, Inc.
Classification: Uncertain significance for Carnitine deficiency. Last evaluated: 2020-07-16. Review status: no assertion criteria provided. Collection method: clinical testing. Allele origin: germline. Not counted in ClinVar's aggregate classification.

NM_003060.4(SLC22A5):c.1010C>T (p.Thr337Ile)

Gene: SLC22A5 (solute carrier family 22 member 5; plus strand). Cytogenetic location: 5q31.1.
Variant type: single nucleotide variant.
Coding change: c.1010C>T on transcript NM_003060.4 (MANE Select); coding-DNA position 1010, C replaced by T.
Protein change: p.Thr337Ile; replaces threonine 337 with isoleucine.
Molecular consequence: missense variant.
Genome position (GRCh38, 1-based): chr5:132,388,979, C>T. VCF-style: chr5-132388979-C-T. GRCh37 (hg19) VCF-style: chr5-131724671-C-T.
Other names: p.Thr337Ile; c.1082C>T, p.Thr361Ile (NM_001308122.2); short protein forms T337I, T361I.
Identifiers: ClinVar variation 529850 (VCV000529850.19), dbSNP rs142479732, ClinGen allele CA3404040.
Genomic context (GRCh38, chr5:132,388,979, plus strand): 5'-AGTTACAAGACCTAAGTTCCAAGAAGCAGCAGTCCCACAACATTCTGGATCTGCTTCGAA[C>T]CTGGAATATCCGGATGGTCACCATCATGTCCATAATGCTGTGGTATGTAAAAGAGACCTG-3'
Protein context (NP_003051.1, residues 327-347): QSHNILDLLR[Thr337Ile]WNIRMVTIMS